The following is an entry in ClinVar:

NM_130839.5(UBE3A):c.1652dup (p.Leu552fs)

Genes: SNHG14 (small nucleolar RNA host gene 14; plus strand), UBE3A (ubiquitin protein ligase E3A; minus strand). Cytogenetic location: 15q11.2.
Variant type: Duplication.
Coding change: c.1652dup on transcript NM_130839.5 (MANE Select); coding-DNA position 1652, one base duplicated (A; older notation c.1652dupA).
Protein change: p.Leu552fs; shifts the reading frame from leucine 552.
Molecular consequence: frameshift variant. On other transcripts: non-coding transcript variant (1).
Genome position (GRCh38, 1-based): chr15:25,360,484, T duplicated on the plus strand (A on the coding strand, the reverse complement: UBE3A is on the minus strand). VCF-style (leftmost placement, unchanged base first): chr15-25360483-C-CT. GRCh37 (hg19) VCF-style: chr15-25605630-C-CT.
Other names: c.1592dup, p.Leu532fs (NM_001354512.2, NM_001354513.2, NM_001354523.2 and 17 more transcripts); c.1652dup, p.Leu552fs (NM_001354538.2, NM_001354545.2, NM_001354505.1); c.1475dup, p.Leu493fs (NM_001354546.2); c.401dup, p.Leu135fs (NM_001354550.2); c.341dup, p.Leu115fs (NM_001354551.2); c.1661dup, p.Leu555fs (NM_000462.5); short protein forms L115fs, L135fs, L493fs, L532fs, L552fs, L555fs.
Identifiers: ClinVar variation 4533197 (VCV004533197.1).

ClinVar aggregate classification (germline): Likely pathogenic (1 of 4 stars; one submission).

Conditions:
Angelman syndrome (AS). Also called: HAPPY PUPPET SYNDROME. Identifiers: Orphanet 72, MedGen C0162635, MONDO:0007113, OMIM 105830. Disease mechanism: loss of function. Inheritance: AS is caused by disruption of maternally imprinted UBE3A located within the 15q11.2-q13 Angelman syndrome/Prader-Willi syndrome (AS/PWS) region., imprinting disorder.

Submission:

Intergen Genetics and Rare Diseases Diagnosis Center
Classification: Likely pathogenic for Angelman syndrome. Last evaluated: 2025-11-03. Review status: criteria provided, single submitter. Criteria: ACMG Guidelines, 2015. Collection method: clinical testing. Allele origin: maternal. Inheritance: Autosomal dominant inheritance. Affected: yes. Observed: 1 heterozygote.
Comment: PVS1 pathogenic Very Strong: Null variant in a gene where loss of function is a known mechanism of disease PM2 pathogenic Moderate: Extremely low frequency in gnomAD population databases